The following is an entry in ClinVar:

NM_001372.4(DNAH9):c.9559A>G (p.Asn3187Asp)

Gene: DNAH9 (dynein axonemal heavy chain 9; plus strand). Cytogenetic location: 17p12.
Variant type: single nucleotide variant.
Coding change: c.9559A>G on transcript NM_001372.4 (MANE Select); coding-DNA position 9559, A replaced by G.
Protein change: p.Asn3187Asp; replaces asparagine 3187 with aspartic acid.
Molecular consequence: missense variant.
Genome position (GRCh38, 1-based): chr17:11,854,054, A>G. VCF-style: chr17-11854054-A-G. GRCh37 (hg19) VCF-style: chr17-11757371-A-G.
Other names: short protein forms N3187D.
Identifiers: ClinVar variation 1995312 (VCV001995312.4), dbSNP rs2544771723, ClinGen allele CA398191679.
Genomic context (GRCh38, chr17:11,854,054, plus strand): 5'-TTTTCCCAGACCAACCTGACAGAGCTGAAGTCATTTGGCTCTCCGCCTCTGGCCGTCAGC[A>G]ATGTCAGCGCTGCGGTGATGGTACTGATGGCTCCCAGGGGTAGGGTGCCCAAGGACCGGA-3'
Protein context (NP_001363.2, residues 3177-3197): SFGSPPLAVS[Asn3187Asp]VSAAVMVLMA

ClinVar aggregate classification (germline): Uncertain significance (1 of 4 stars; one submission).

Allele frequency attached by ClinVar (database versions not stated): gnomAD exomes below 0.00001.
gnomAD v4.1: 2 of 1,614,128 alleles (0.00012%); highest among the groups gnomAD compares: Non-Finnish European, 0.00017%; no homozygotes.

Submission:

Labcorp Genetics (formerly Invitae), Labcorp
Classification: Uncertain significance. Last evaluated: 2022-05-16. Review status: criteria provided, single submitter. Criteria: Invitae Variant Classification Sherloc (09022015). Collection method: clinical testing. Allele origin: germline.
Comment: This sequence change replaces asparagine, which is neutral and polar, with aspartic acid, which is acidic and polar, at codon 3187 of the DNAH9 protein (p.Asn3187Asp). This variant is not present in population databases (gnomAD no frequency). This variant has not been reported in the literature in individuals affected with DNAH9-related conditions. Algorithms developed to predict the effect of missense changes on protein structure and function are either unavailable or do not agree on the potential impact of this missense change (SIFT: "Deleterious"; PolyPhen-2: "Benign"; Align-GVGD: "Class C0"). In summary, the available evidence is currently insufficient to determine the role of this variant in disease. Therefore, it has been classified as a Variant of Uncertain Significance.